The following is an entry in ClinVar:

NM_004239.4(TRIP11):c.4388G>A (p.Gly1463Glu)

Gene: TRIP11 (thyroid hormone receptor interactor 11; minus strand). Cytogenetic location: 14q32.12.
Variant type: single nucleotide variant.
Coding change: c.4388G>A on transcript NM_004239.4 (MANE Select); coding-DNA position 4388, G replaced by A.
Protein change: p.Gly1463Glu; replaces glycine 1463 with glutamic acid.
Molecular consequence: missense variant.
Genome position (GRCh38, 1-based): chr14:92,003,588, C>T on the plus strand (G>A on the coding strand, the complement: TRIP11 is on the minus strand). VCF-style: chr14-92003588-C-T. GRCh37 (hg19) VCF-style: chr14-92469932-C-T.
Other names: c.4385G>A, p.Gly1462Glu (NM_001321851.1); short protein forms G1463E, G1462E.
Identifiers: ClinVar variation 858916 (VCV000858916.9), dbSNP rs769666779, ClinGen allele CA7313465.

ClinVar aggregate classification (germline): Uncertain significance (1 of 4 stars; one submission).

Conditions:
Achondrogenesis, type IA (ACG1A). Identifiers: Orphanet 932, Orphanet 93299, MedGen C0265273, MONDO:0008701, OMIM 200600.

Allele frequency attached by ClinVar (database versions not stated): gnomAD exomes 0.00002 and 0.00004; TOPMed 0.00002; ExAC 0.00005.

Submission:

Labcorp Genetics (formerly Invitae), Labcorp
Classification: Uncertain significance for Achondrogenesis, type IA. Last evaluated: 2024-09-30. Review status: criteria provided, single submitter. Criteria: Invitae Variant Classification Sherloc (09022015). Collection method: clinical testing. Allele origin: germline.
Comment: This sequence change replaces glycine, which is neutral and non-polar, with glutamic acid, which is acidic and polar, at codon 1463 of the TRIP11 protein (p.Gly1463Glu). This variant is present in population databases (rs769666779, gnomAD 0.03%). This variant has not been reported in the literature in individuals affected with TRIP11-related conditions. ClinVar contains an entry for this variant (Variation ID: 858916). Invitae Evidence Modeling of protein sequence and biophysical properties (such as structural, functional, and spatial information, amino acid conservation, physicochemical variation, residue mobility, and thermodynamic stability) indicates that this missense variant is not expected to disrupt TRIP11 protein function with a negative predictive value of 80%. In summary, the available evidence is currently insufficient to determine the role of this variant in disease. Therefore, it has been classified as a Variant of Uncertain Significance.